The following is an entry in ClinVar:

NM_002382.5(MAX):c.64-11C>T

Genes: MAX (MYC associated transcriptional regulator X; minus strand), MAX-AS1 (MAX antisense RNA 1; plus strand). Cytogenetic location: 14q23.3.
Variant type: single nucleotide variant.
Coding change: c.64-11C>T on transcript NM_002382.5 (MANE Select); 11 bases into the intron before coding-DNA position 64, C replaced by T.
Molecular consequence: intron variant. On other transcripts: non-coding transcript variant (1).
Genome position (GRCh38, 1-based): chr14:65,093,826, G>A on the plus strand (C>T on the coding strand, the complement: MAX is on the minus strand). VCF-style: chr14-65093826-G-A. GRCh37 (hg19) VCF-style: chr14-65560544-G-A.
Other names: c.37-11C>T (NM_001271069.2, NM_001407095.1, NM_001407110.1 and 9 more transcripts); c.64-11C>T (NM_197957.4, NM_001407094.1, NM_001407104.1 and 5 more transcripts); c.-304-11C>T (NM_001407112.1, NM_001407111.1); c.-211-11C>T (NM_001407106.1, NM_001407107.1, NM_001320415.2 and 1 more transcripts); c.63+7720C>T (NM_001407098.1); c.87-11C>T (NM_001407114.1).
Identifiers: ClinVar variation 2985814 (VCV002985814.4), dbSNP rs1392596152, ClinGen allele CA486742985.
Genomic context (GRCh38, chr14:65,093,826, plus strand): 5'-TGGTCCCTACGTTTTCGTTCCAGTGCATTATGATGAGCCCGTTTGTCAGCCTAGAAGAAT[G>A]GGAGAAAGAACACATTAGGAATGTCACTCCTTTTGCTTGGTACAAGGTGGGTGGGGTACA-3'

ClinVar aggregate classification (germline): Likely benign. Review status: criteria provided, multiple submitters, no conflicts (2 of 4 stars). 2 submissions from 2 submitters: Likely benign (2). Last evaluated 2026-06-05.

Conditions:
Pheochromocytoma. Also called: MAX-Related Hereditary Paraganglioma-Pheochromocytoma Syndrome. Identifiers: Orphanet 29072, MedGen C0031511, MONDO:0008233, OMIM 171300, HP:0002666.
Hereditary pheochromocytoma and paraganglioma. Also called: Hereditary Paraganglioma-Pheochromocytoma Syndromes; Hereditary paragangliomas and pheochromocytomas; Hereditary pheochromocytoma-paraganglioma. Identifiers: Orphanet 29072, MedGen C4274332, MONDO:0017366.

Allele frequency attached by ClinVar (database versions not stated): gnomAD exomes below 0.00001; gnomAD 0.00001.
gnomAD v4.1: 2 of 1,464,292 alleles (0.00014%); highest among the groups gnomAD compares: Non-Finnish European, 0.00019%; no homozygotes.

Submissions (2):

Myriad Genetics, Inc.
Classification: Likely benign for Pheochromocytoma. Last evaluated: 2026-06-05. Review status: criteria provided, single submitter. Criteria: Myriad Autosomal Dominant, Autosomal Recessive and X-Linked Classification Criteria (2023). Collection method: clinical testing. Allele origin: unknown.
Comment: This variant is considered likely benign. This variant is intronic and is not expected to impact mRNA splicing.

Labcorp Genetics (formerly Invitae), Labcorp
Classification: Likely benign for Hereditary pheochromocytoma and paraganglioma. Last evaluated: 2023-02-01. Review status: criteria provided, single submitter. Criteria: Invitae Variant Classification Sherloc (09022015). Collection method: clinical testing. Allele origin: germline.